The following is an entry in ClinVar:

NM_005502.4(ABCA1):c.4675A>C (p.Lys1559Gln)

Gene: ABCA1 (ATP binding cassette subfamily A member 1; minus strand). Cytogenetic location: 9q31.1.
Variant type: single nucleotide variant.
Coding change: c.4675A>C on transcript NM_005502.4 (MANE Select); coding-DNA position 4675, A replaced by C.
Protein change: p.Lys1559Gln; replaces lysine 1559 with glutamine.
Molecular consequence: missense variant.
Genome position (GRCh38, 1-based): chr9:104,802,077, T>G on the plus strand (A>C on the coding strand, the complement: ABCA1 is on the minus strand). VCF-style: chr9-104802077-T-G. GRCh37 (hg19) VCF-style: chr9-107564358-T-G.
Other names: short protein forms K1559Q.
Identifiers: ClinVar variation 1742348 (VCV001742348.3), dbSNP rs543919713, ClinGen allele CA197364932.

ClinVar aggregate classification (germline): Uncertain significance (1 of 4 stars; one submission).

Conditions:
Cardiovascular phenotype. Identifiers: MedGen CN230736.

Allele frequency attached by ClinVar (database versions not stated): gnomAD exomes below 0.00001; gnomAD 0.00001; TOPMed 0.00002.
gnomAD v4.1: 4 of 1,614,082 alleles (0.00025%); highest among the groups gnomAD compares: Admixed American, 0.0033%; no homozygotes.

Submission:

Ambry Genetics
Classification: Uncertain significance for Cardiovascular phenotype. Last evaluated: 2024-06-02. Review status: criteria provided, single submitter. Criteria: Ambry Variant Classification Scheme 2023. Collection method: clinical testing. Allele origin: germline.
Comment: The p.K1559Q variant (also known as c.4675A>C), located in coding exon 33 of the ABCA1 gene, results from an A to C substitution at nucleotide position 4675. The lysine at codon 1559 is replaced by glutamine, an amino acid with similar properties. This amino acid position is conserved. In addition, this alteration is predicted to be tolerated by in silico analysis. Since supporting evidence is limited at this time, the clinical significance of this alteration remains unclear.